The following is an entry in ClinVar:

ClinVar aggregate classification (germline): Pathogenic. Review status: criteria provided, multiple submitters, no conflicts (2 of 4 stars). 4 submissions from 4 submitters: Pathogenic (3). 1 of the submissions does not count toward it. Last evaluated 2025-12-01.

Conditions:
Plasma factor XI deficiency.
Hereditary factor XI deficiency disease. Also called: Congenital factor XI deficiency; PLASMA THROMBOPLASTIN ANTECEDENT DEFICIENCY; PTA DEFICIENCY; ROSENTHAL SYNDROME. Identifiers: Orphanet 329, MedGen C0015523, MeSH D005173, MONDO:0012897, OMIM 612416.

Submissions (4):

Natera, Inc.
Classification: Pathogenic for Plasma factor XI deficiency. Last evaluated: 2025-12-01. Review status: criteria provided, single submitter. Criteria: Natera Variant Classification Schema (03/2026). Collection method: clinical testing. Allele origin: germline.
Comment: The c.961_962delTG variant in F11 is a frameshift variant predicted to shift the reading frame beginning at codon 321 and leads to a stop codon 37 codons downstream. This variant is expected to result in nonsense mediated decay, truncation, or a dysfunctional protein product. This variant is rare in the general population with a frequency below the threshold expected for the associated phenotype(s). This variant has been observed in one or more individuals affected with the associated recessive disease, as either homozygous or compound heterozygous with a second variant (PMID: 29178608). Given the available evidence, this variant is classified as Pathogenic.

GeneDx
Classification: Pathogenic. Last evaluated: 2025-06-23. Review status: criteria provided, single submitter. Criteria: GeneDx Variant Classification Process June 2021. Collection method: clinical testing. Allele origin: germline. Affected: yes.
Comment: Frameshift variant predicted to result in protein truncation or nonsense mediated decay in a gene for which loss of function is a known mechanism of disease; Observed as heterozygous without a second variant in F11 in patients with partial factor XI deficiency (PMID: 16835901); This variant is associated with the following publications: (PMID: 37647632, 29178608, 16607084, 16835901)

Labcorp Genetics (formerly Invitae), Labcorp
Classification: Pathogenic. Last evaluated: 2021-11-19. Review status: criteria provided, single submitter. Criteria: Invitae Variant Classification Sherloc (09022015). Collection method: clinical testing. Allele origin: germline.
Comment: For these reasons, this variant has been classified as Pathogenic. ClinVar contains an entry for this variant (Variation ID: 188757). This premature translational stop signal has been observed in individual(s) with clinical features of autosomal recessive factor XI deficiency (PMID: 16835901, 29178608). This variant is present in population databases (rs753106039, gnomAD 0.02%). This sequence change creates a premature translational stop signal (p.Cys321Hisfs*37) in the F11 gene. It is expected to result in an absent or disrupted protein product. Loss-of-function variants in F11 are known to be pathogenic (PMID: 23929304).

Counsyl
Classification: Likely pathogenic for Hereditary factor XI deficiency disease. Last evaluated: 2014-04-10. Review status: no assertion criteria provided. Collection method: literature only. Allele origin: unknown. Inheritance: Autosomal recessive inheritance. Not counted in ClinVar's aggregate classification.

Literature cited by the submitters: PubMed 29178608 (cited by Natera, Inc. and Labcorp Genetics (formerly Invitae), Labcorp); PubMed 16835901 (cited by Labcorp Genetics (formerly Invitae), Labcorp and Counsyl); PubMed 23929304 (cited by Labcorp Genetics (formerly Invitae), Labcorp); PubMed 16607084 (cited by Counsyl).

NM_000128.4(F11):c.961_962del (p.Cys321fs)

Gene: F11 (coagulation factor XI; plus strand). Cytogenetic location: 4q35.2.
Variant type: Microsatellite.
Coding change: c.961_962del on transcript NM_000128.4 (MANE Select); coding-DNA positions 961 to 962, 2 bases deleted (TG; older notation c.961_962delTG).
Protein change: p.Cys321fs; shifts the reading frame from cysteine 321.
Molecular consequence: frameshift variant.
Genome position (GRCh38, 1-based): chr4:186,280,318-186,280,319, TG deleted; deleting any 2 consecutive bases within chr4:186,280,316-186,280,319 gives the same sequence; the c. name uses the placement nearest the transcript's 3' end. VCF-style (leftmost placement, unchanged base first): chr4-186280315-CTG-C. GRCh37 (hg19) VCF-style: chr4-187201469-CTG-C.
Other names: c.961_962delTG (NM_000128.3); c.961_962del (NM_000128.3); short protein forms C321fs.
Identifiers: ClinVar variation 188757 (VCV000188757.10), dbSNP rs786204449, ClinGen allele CA199051.